The following is an entry in ClinVar:

ClinVar aggregate classification (germline): Uncertain significance (1 of 4 stars; one submission).

gnomAD v4.1: 1 of 1,613,104 alleles (0.000062%); highest among the groups gnomAD compares: Non-Finnish European, 0.000085%; no homozygotes.

Submission:

Greenwood Genetic Center Diagnostic Laboratories, Greenwood Genetic Center
Classification: Uncertain significance. Last evaluated: 2024-11-14. Review status: criteria provided, single submitter. Criteria: ACMG Guidelines, 2015. Collection method: clinical testing. Allele origin: germline. Affected: yes.
Comment: PM2, BP4, PP2

NM_006035.4(CDC42BPB):c.4024A>G (p.Thr1342Ala)

Gene: CDC42BPB (CDC42 binding protein kinase beta; minus strand). Cytogenetic location: 14q32.32.
Variant type: single nucleotide variant.
Coding change: c.4024A>G on transcript NM_006035.4 (MANE Select); coding-DNA position 4024, A replaced by G.
Protein change: p.Thr1342Ala; replaces threonine 1342 with alanine.
Molecular consequence: missense variant.
Genome position (GRCh38, 1-based): chr14:102,944,275, T>C on the plus strand (A>G on the coding strand, the complement: CDC42BPB is on the minus strand). VCF-style: chr14-102944275-T-C. GRCh37 (hg19) VCF-style: chr14-103410612-T-C.
Other names: c.3946A>G, p.Thr1316Ala (NM_001411054.1); short protein forms T1316A, T1342A.
Identifiers: ClinVar variation 3765767 (VCV003765767.1).
Genomic context (GRCh38, chr14:102,944,275, plus strand): 5'-GCTTCGTTCTCTGGATCTCATAGCAAAGGATCAGCCGTTTCACGGCCACAAACAGGCAGG[T>C]GCCAGAGTTCCTCTTGAGTGTGGCCGTGGCCATGAGCTGGCAGCCTTTGGTTTCCGGAAG-3'
Protein context (NP_006026.3, residues 1332-1352): ATATLKRNSG[Thr1342Ala]CLFVAVKRLI